The following is an entry in ClinVar:

NM_001371986.1(UNC80):c.7871G>T (p.Arg2624Leu)

Gene: UNC80 (unc-80 subunit of NALCN channel complex; plus strand). Cytogenetic location: 2q34.
Variant type: single nucleotide variant.
Coding change: c.7871G>T on transcript NM_001371986.1 (MANE Select); coding-DNA position 7871, G replaced by T.
Protein change: p.Arg2624Leu; replaces arginine 2624 with leucine.
Molecular consequence: missense variant.
Genome position (GRCh38, 1-based): chr2:209,967,502, G>T. VCF-style: chr2-209967502-G-T. GRCh37 (hg19) VCF-style: chr2-210832226-G-T.
Other names: c.7673G>T, p.Arg2558Leu (NM_032504.2); c.7658G>T, p.Arg2553Leu (NM_182587.4); short protein forms R2553L, R2558L, R2624L.
Identifiers: ClinVar variation 1714496 (VCV001714496.5), dbSNP rs777602239, ClinGen allele CA350777242.

ClinVar aggregate classification (germline): Uncertain significance (1 of 4 stars; one submission).

gnomAD v4.1: 1 of 1,551,372 alleles (0.000064%); highest among the groups gnomAD compares: African/African-American, 0.0014%; no homozygotes.

Submission:

Labcorp Genetics (formerly Invitae), Labcorp
Classification: Uncertain significance. Last evaluated: 2022-07-15. Review status: criteria provided, single submitter. Criteria: Invitae Variant Classification Sherloc (09022015). Collection method: clinical testing. Allele origin: germline.
Comment: This sequence change replaces arginine, which is basic and polar, with leucine, which is neutral and non-polar, at codon 2558 of the UNC80 protein (p.Arg2558Leu). This variant is present in population databases (no rsID available, gnomAD 0.01%). This variant has not been reported in the literature in individuals affected with UNC80-related conditions. Algorithms developed to predict the effect of missense changes on protein structure and function are either unavailable or do not agree on the potential impact of this missense change (SIFT: "Not Available"; PolyPhen-2: "Probably Damaging"; Align-GVGD: "Not Available"). In summary, the available evidence is currently insufficient to determine the role of this variant in disease. Therefore, it has been classified as a Variant of Uncertain Significance.